The following is an entry in ClinVar:

NM_000540.3(RYR1):c.317T>C (p.Ile106Thr)

Gene: RYR1 (ryanodine receptor 1; plus strand). Cytogenetic location: 19q13.2.
Variant type: single nucleotide variant.
Coding change: c.317T>C on transcript NM_000540.3 (MANE Select); coding-DNA position 317, T replaced by C.
Protein change: p.Ile106Thr; replaces isoleucine 106 with threonine.
Molecular consequence: missense variant.
Genome position (GRCh38, 1-based): chr19:38,443,604, T>C. VCF-style: chr19-38443604-T-C. GRCh37 (hg19) VCF-style: chr19-38934244-T-C.
Other names: c.317T>C, p.Ile106Thr (NM_001042723.2); short protein forms I106T.
Identifiers: ClinVar variation 2052439 (VCV002052439.4), dbSNP rs2513971434, ClinGen allele CA405675255.

ClinVar aggregate classification (germline): Uncertain significance (1 of 4 stars; one submission).

Conditions:
RYR1-related disorder. Also called: RYR1-related condition; RYR1-related disorders. Identifiers: MedGen CN239331.

Allele frequency attached by ClinVar (database versions not stated): gnomAD exomes below 0.00001.

Submission:

Labcorp Genetics (formerly Invitae), Labcorp
Classification: Uncertain significance for RYR1-related disorder. Last evaluated: 2022-03-25. Review status: criteria provided, single submitter. Criteria: Invitae Variant Classification Sherloc (09022015). Collection method: clinical testing. Allele origin: germline.
Comment: In summary, the available evidence is currently insufficient to determine the role of this variant in disease. Therefore, it has been classified as a Variant of Uncertain Significance. Advanced modeling of protein sequence and biophysical properties (such as structural, functional, and spatial information, amino acid conservation, physicochemical variation, residue mobility, and thermodynamic stability) performed at Invitae indicates that this missense variant is expected to disrupt RYR1 protein function. This variant has not been reported in the literature in individuals affected with RYR1-related conditions. This variant is not present in population databases (gnomAD no frequency). This sequence change replaces isoleucine, which is neutral and non-polar, with threonine, which is neutral and polar, at codon 106 of the RYR1 protein (p.Ile106Thr).